The following is an entry in ClinVar:

NM_000051.4(ATM):c.2889G>A (p.Met963Ile)

Gene: ATM (ATM serine/threonine kinase; plus strand). Cytogenetic location: 11q22.3.
Variant type: single nucleotide variant.
Coding change: c.2889G>A on transcript NM_000051.4 (MANE Select); coding-DNA position 2889, G replaced by A.
Protein change: p.Met963Ile; replaces methionine 963 with isoleucine.
Molecular consequence: missense variant.
Genome position (GRCh38, 1-based): chr11:108,271,114, G>A. VCF-style: chr11-108271114-G-A. GRCh37 (hg19) VCF-style: chr11-108141841-G-A.
Other names: c.2889G>A, p.Met963Ile (NM_001351834.2); c.2889G>A (NM_000051.2); short protein forms M963I.
Identifiers: ClinVar variation 631458 (VCV000631458.16), dbSNP rs35098825, ClinGen allele CA6265135.

ClinVar aggregate classification (germline): Uncertain significance. Review status: criteria provided, multiple submitters, no conflicts (2 of 4 stars). 5 submissions from 5 submitters: Uncertain significance (5). Last evaluated 2025-12-28.

Conditions:
Familial colorectal cancer type X. Identifiers: Orphanet 440437, MedGen C3896578, MONDO:0018604.
Hereditary cancer-predisposing syndrome. Also called: Hereditary Cancer Syndrome; Neoplastic Syndromes, Hereditary; Tumor predisposition; Hereditary neoplastic syndrome. Identifiers: Orphanet 140162, MedGen C0027672, MeSH D009386, MONDO:0015356.
Ataxia-telangiectasia syndrome (AT). Also called: Ataxia-telangiectasia, complementation group D; AT, COMPLEMENTATION GROUP C; Ataxia-telangiectasia; ATAXIA-TELANGIECTASIA, COMPLEMENTATION GROUP A; ATAXIA-TELANGIECTASIA, FRESNO VARIANT; LOUIS-BAR SYNDROME. Identifiers: Orphanet 100, MedGen C0004135, MONDO:0008840, OMIM 208900.

Allele frequency attached by ClinVar (database versions not stated): gnomAD exomes below 0.00001; ExAC 0.00001; gnomAD 0.00001; TOPMed 0.00002; ESP Exome Variant Server 0.00008.
gnomAD v4.1: 13 of 1,613,922 alleles (0.00081%); highest among the groups gnomAD compares: African/African-American, 0.0013%; no homozygotes.

Submissions (5):

Labcorp Genetics (formerly Invitae), Labcorp
Classification: Uncertain significance for Ataxia-telangiectasia syndrome. Last evaluated: 2025-12-28. Review status: criteria provided, single submitter. Criteria: Invitae Variant Classification Sherloc (09022015). Collection method: clinical testing. Allele origin: germline.
Comment: This sequence change replaces methionine, which is neutral and non-polar, with isoleucine, which is neutral and non-polar, at codon 963 of the ATM protein (p.Met963Ile). This variant is not present in population databases (gnomAD no frequency). This variant has not been reported in the literature in individuals affected with ATM-related conditions. ClinVar contains an entry for this variant (Variation ID: 631458). Invitae Evidence Modeling of protein sequence and biophysical properties (such as structural, functional, and spatial information, amino acid conservation, physicochemical variation, residue mobility, and thermodynamic stability) indicates that this missense variant is not expected to disrupt ATM protein function with a negative predictive value of 95%. In summary, the available evidence is currently insufficient to determine the role of this variant in disease. Therefore, it has been classified as a Variant of Uncertain Significance.

Ambry Genetics
Classification: Uncertain significance for Hereditary cancer-predisposing syndrome. Last evaluated: 2023-06-12. Review status: criteria provided, single submitter. Criteria: Ambry Variant Classification Scheme 2023. Collection method: clinical testing. Allele origin: germline.
Comment: The p.M963I variant (also known as c.2889G>A), located in coding exon 18 of the ATM gene, results from a G to A substitution at nucleotide position 2889. The methionine at codon 963 is replaced by isoleucine, an amino acid with highly similar properties. This amino acid position is not well conserved in available vertebrate species. In addition, this alteration is predicted to be tolerated by in silico analysis. Since supporting evidence is limited at this time, the clinical significance of this alteration remains unclear.

Department of Pathology and Laboratory Medicine, Sinai Health System
Classification: Uncertain significance for Familial colorectal cancer type X. Last evaluated: 2023-05-16. Review status: criteria provided, single submitter. Criteria: ACMG Guidelines, 2015. Collection method: clinical testing. Allele origin: germline. Affected: yes.

Color Diagnostics, LLC DBA Color Health
Classification: Uncertain significance for Hereditary cancer-predisposing syndrome. Last evaluated: 2022-08-01. Review status: criteria provided, single submitter. Criteria: ACMG Guidelines, 2015. Collection method: clinical testing. Allele origin: germline.
Comment: This missense variant replaces methionine with isoleucine at codon 963 of the ATM protein. Computational prediction suggests that this variant may not impact protein structure and function (internally defined REVEL score threshold <= 0.5, PMID: 27666373). To our knowledge, functional studies have not been reported for this variant. This variant has been reported two case-control studies in individuals affected with breast cancer and absent in controls (PMID 28779002, 33471991). This variant has been identified in 1/251406 chromosomes in the general population by the Genome Aggregation Database (gnomAD). The available evidence is insufficient to determine the role of this variant in disease conclusively. Therefore, this variant is classified as a Variant of Uncertain Significance.

Women's Health and Genetics/Laboratory Corporation of America, LabCorp
Classification: Uncertain significance. Last evaluated: 2019-01-14. Review status: criteria provided, single submitter. Criteria: LabCorp Variant Classification Summary - May 2015. Collection method: clinical testing. Allele origin: germline.
Comment: Variant summary: ATM c.2889G>A (p.Met963Ile) results in a conservative amino acid change in the encoded protein sequence. Five of five in-silico tools predict a benign effect of the variant on protein function. The variant was absent in 277192 control chromosomes. The available data on variant occurrences in the general population are insufficient to allow any conclusion about variant significance. c.2889G>A has not been reported in the literature in individuals affected with Ataxia-Telangiectasia. To our knowledge, no experimental evidence demonstrating an impact on protein function has been reported. No clinical diagnostic laboratories have submitted clinical-significance assessments for this variant to ClinVar after 2014. Based on the evidence outlined above, the variant was classified as uncertain significance.

Literature cited by the submitters: PubMed 33471991 (cited by Department of Pathology and Laboratory Medicine, Sinai Health System and Color Diagnostics, LLC DBA Color Health); PubMed 28779002 (cited by Color Diagnostics, LLC DBA Color Health); PubMed 19781682 (cited by Women's Health and Genetics/Laboratory Corporation of America, LabCorp); PubMed 16832357 (cited by Women's Health and Genetics/Laboratory Corporation of America, LabCorp).